The following is an entry in ClinVar:

ClinVar aggregate classification (germline): Likely pathogenic (1 of 4 stars; one submission).

Submission:

Labcorp Genetics (formerly Invitae), Labcorp
Classification: Likely pathogenic. Last evaluated: 2023-10-22. Review status: criteria provided, single submitter. Criteria: Invitae Variant Classification Sherloc (09022015). Collection method: clinical testing. Allele origin: unknown.
Comment: This variant results in a copy number gain of the genomic region encompassing exon(s) 46-56 of the CDH23 gene. While the exact position of this variant cannot be determined from the data, sub-genic copy number gains are generally in tandem (PMID: 25640679). This variant is predicted to be out-of-frame, and may result in an absent or disrupted protein product. Loss-of-function variants in CDH23 are known to be pathogenic (PMID: 11138009, 21940737). This variant has not been reported in the literature in individuals affected with CDH23-related conditions. In summary, the currently available evidence indicates that the variant is pathogenic, but additional data are needed to prove that conclusively. Therefore, this variant has been classified as Likely Pathogenic.

Literature cited by the submitters: PubMed 25640679; PubMed 11138009; PubMed 21940737.

NC_000010.10:g.(?_73550025)_(73565774_?)dup

Gene: CDH23 (cadherin related 23; plus strand). Cytogenetic location: 10q22.1.
Variant type: Duplication.
Identifiers: ClinVar variation 3245007 (VCV003245007.1).